The following is an entry in ClinVar:

ClinVar aggregate classification (germline): Uncertain significance. Review status: criteria provided, single submitter (1 of 4 stars). 2 submissions from 2 submitters: Uncertain significance (1). 1 of the submissions does not count toward it. Last evaluated 2026-08-12.

Conditions:
Intellectual developmental disorder, X-linked, syndromic, Turner type. Also called: X-linked intellectual disability, Turner type; Intellectual disability, X-linked syndromic, Turner type. Identifiers: Orphanet 3056, Orphanet 85328, MedGen C2678046, MONDO:0010407, OMIM 309590.

Submissions (2):

Broad Center for Mendelian Genomics, Broad Institute of MIT and Harvard
Classification: Uncertain significance for Intellectual developmental disorder, X-linked, syndromic, Turner type. Last evaluated: 2026-08-12. Review status: criteria provided, single submitter. Criteria: ACMG Guidelines, 2015. Collection method: research. Allele origin: germline. Inheritance: X-linked inheritance. Study: GREGoR Consortium.
Comment: Trio genome analysis showed this variant to be de novo. The p.Gly4229Asp variant has been reported in 2 individuals with neurodevelopmental disorder/multiple congenital anomalies (DOI: 10.1002/ajmg.a.70127, PMID: 26633542), and was absent from large population studies. The number of reported affected individuals with this variant is slightly greater than expected compared to non-affected individuals with this variant. This variant has been reported in ClinVar (Variation ID: 4532290) and has been interpreted as a variant of uncertain significance by Johns Hopkins University School of Medicine, Department of Neurology. Computational prediction tools and conservation analyses suggest that this variant may impact the protein, though this information is not predictive enough to determine pathogenicity. The number of missense variants reported in HUWE1 in the general population is lower than expected, suggesting there is little benign variation in this gene and slightly increasing the possibility that a missense variant in this gene may not be tolerated. In summary, while there is some suspicion for a pathogenic role, the clinical significance of this variant is uncertain. ACMG/AMP Criteria applied: PP3, PP2, PM2_supporting, PS2_supporting, PS4_supporting (Richards 2015).

Department of Neurology, Johns Hopkins University School of Medicine
Classification: Uncertain significance for Intellectual developmental disorder, X-linked, syndromic, Turner type. Review status: no assertion criteria provided. Collection method: clinical testing. Allele origin: de novo. Affected: yes. Not counted in ClinVar's aggregate classification.

NM_031407.7(HUWE1):c.12686G>A (p.Gly4229Asp)

Gene: HUWE1 (HECT, UBA and WWE domain containing E3 ubiquitin protein ligase 1; minus strand). Cytogenetic location: Xp11.22.
Variant type: single nucleotide variant.
Coding change: c.12686G>A on transcript NM_031407.7 (MANE Select); coding-DNA position 12686, G replaced by A.
Protein change: p.Gly4229Asp; replaces glycine 4229 with aspartic acid.
Molecular consequence: missense variant.
Genome position (GRCh38, 1-based): chrX:53,534,661, C>T on the plus strand (G>A on the coding strand, the complement: HUWE1 is on the minus strand). VCF-style: chrX-53534661-C-T. GRCh37 (hg19) VCF-style: chrX-53561622-C-T.
Other names: NM_031407.7(HUWE1):c.12686G>A; p.Gly4229Asp; c.12638G>A, p.Gly4213Asp (NM_001441048.1, NM_001441053.1, NM_001441058.1); c.12641G>A, p.Gly4214Asp (NM_001441049.1, NM_001441054.1); c.12662G>A, p.Gly4221Asp (NM_001441050.1, NM_001441055.1); c.12683G>A, p.Gly4228Asp (NM_001441051.1, NM_001441056.1); c.12284G>A, p.Gly4095Asp (NM_001441052.1); c.12686G>A, p.Gly4229Asp (NM_001441057.1); short protein forms G4095D, G4213D, G4214D, G4221D, G4228D, G4229D.
Identifiers: ClinVar variation 4532290 (VCV004532290.2).